The following is an entry in ClinVar:

NM_014495.4(ANGPTL3):c.667C>T (p.Pro223Ser)

Genes: ANGPTL3 (angiopoietin like 3; plus strand), DOCK7 (dedicator of cytokinesis 7; minus strand). Cytogenetic location: 1p31.3.
Variant type: single nucleotide variant.
Coding change: c.667C>T on transcript NM_014495.4 (MANE Select); coding-DNA position 667, C replaced by T.
Protein change: p.Pro223Ser; replaces proline 223 with serine.
Molecular consequence: missense variant. On other transcripts: intron variant (7).
Genome position (GRCh38, 1-based): chr1:62,601,142, C>T. VCF-style: chr1-62601142-C-T. GRCh37 (hg19) VCF-style: chr1-63066813-C-T.
Other names: c.1683-14518G>A (NM_001272001.2, NM_001272000.2, NM_033407.4 and 4 more transcripts); short protein forms P223S.
Identifiers: ClinVar variation 1421587 (VCV001421587.6), dbSNP rs1232979034, ClinGen allele CA340603304.
Genomic context (GRCh38, chr1:62,601,142, plus strand): 5'-CTCAGAAGGACTAGTATTCAAGAACCCACAGAAATTTCTCTATCTTCCAAGCCAAGAGCA[C>T]CAAGAACTACTCCCTTTCTTCAGTTGAATGAAATAAGAAATGTAAAACATGATGGTAAGA-3'
Protein context (NP_055310.1, residues 213-233): EISLSSKPRA[Pro223Ser]RTTPFLQLNE

ClinVar aggregate classification (germline): Uncertain significance (1 of 4 stars; one submission).

Allele frequency attached by ClinVar (database versions not stated): gnomAD exomes below 0.00001 and 0.00003; TOPMed 0.00002; gnomAD 0.00003 and 0.00004.
gnomAD v4.1: 55 of 1,610,896 alleles (0.0034%); highest among the groups gnomAD compares: Non-Finnish European, 0.0043%; no homozygotes.

Submission:

Labcorp Genetics (formerly Invitae), Labcorp
Classification: Uncertain significance. Last evaluated: 2021-03-24. Review status: criteria provided, single submitter. Criteria: Invitae Variant Classification Sherloc (09022015). Collection method: clinical testing. Allele origin: germline.
Comment: In summary, the available evidence is currently insufficient to determine the role of this variant in disease. Therefore, it has been classified as a Variant of Uncertain Significance. Algorithms developed to predict the effect of missense changes on protein structure and function (SIFT, PolyPhen-2, Align-GVGD) all suggest that this variant is likely to be tolerated, but these predictions have not been confirmed by published functional studies and their clinical significance is uncertain. This variant has not been reported in the literature in individuals with ANGPTL3-related conditions. This variant is not present in population databases (ExAC no frequency). This sequence change replaces proline with serine at codon 223 of the ANGPTL3 protein (p.Pro223Ser). The proline residue is moderately conserved and there is a moderate physicochemical difference between proline and serine.